The following is an entry in ClinVar:

ClinVar aggregate classification (germline): Pathogenic. Review status: criteria provided, single submitter (1 of 4 stars). 2 submissions from 2 submitters: Pathogenic (1). 1 of the submissions does not count toward it. Last evaluated 2024-10-22.

Submissions (2):

Labcorp Genetics (formerly Invitae), Labcorp
Classification: Pathogenic. Last evaluated: 2024-10-22. Review status: criteria provided, single submitter. Criteria: Invitae Variant Classification Sherloc (09022015). Collection method: clinical testing. Allele origin: germline.
Comment: This sequence change replaces phenylalanine, which is neutral and non-polar, with leucine, which is neutral and non-polar, at codon 553 of the ABCA4 protein (p.Phe553Leu). This variant is not present in population databases (gnomAD no frequency). This missense change has been observed in individual(s) with ABCA4-related conditions (PMID: 12442277). In at least one individual the data is consistent with being in trans (on the opposite chromosome) from a pathogenic variant. It has also been observed to segregate with disease in related individuals. ClinVar contains an entry for this variant (Variation ID: 99072). Invitae Evidence Modeling of protein sequence and biophysical properties (such as structural, functional, and spatial information, amino acid conservation, physicochemical variation, residue mobility, and thermodynamic stability) indicates that this missense variant is expected to disrupt ABCA4 protein function with a positive predictive value of 95%. For these reasons, this variant has been classified as Pathogenic.

Retina International
No classification provided. Review status: no classification provided. Collection method: not provided. Allele origin: not provided. Not counted in ClinVar's aggregate classification.

Literature cited by the submitters: PubMed 12442277 (cited by Labcorp Genetics (formerly Invitae), Labcorp).

NM_000350.3(ABCA4):c.1659C>G (p.Phe553Leu)

Gene: ABCA4 (ATP binding cassette subfamily A member 4; minus strand). Cytogenetic location: 1p22.1.
Variant type: single nucleotide variant.
Coding change: c.1659C>G on transcript NM_000350.3 (MANE Select); coding-DNA position 1659, C replaced by G.
Protein change: p.Phe553Leu; replaces phenylalanine 553 with leucine.
Molecular consequence: missense variant.
Genome position (GRCh38, 1-based): chr1:94,063,213, G>C on the plus strand (C>G on the coding strand, the complement: ABCA4 is on the minus strand). VCF-style: chr1-94063213-G-C. GRCh37 (hg19) VCF-style: chr1-94528769-G-C.
Other names: c.1659C>G, p.Phe553Leu (NM_001425324.1); short protein forms F553L.
Identifiers: ClinVar variation 99072 (VCV000099072.9), dbSNP rs61752396, ClinGen allele CA226916.